The following is an entry in ClinVar:

NM_002063.4(GLRA2):c.1074G>A (p.Gln358=)

Genes: FANCB (FA complementation group B; minus strand), GLRA2 (glycine receptor alpha 2; plus strand). Cytogenetic location: Xp22.2.
Variant type: single nucleotide variant.
Coding change: c.1074G>A on transcript NM_002063.4 (MANE Select); coding-DNA position 1074, G replaced by A.
Protein change: p.Gln358=; no amino-acid change (glutamine 358 retained).
Molecular consequence: synonymous variant.
Genome position (GRCh38, 1-based): chrX:14,690,853, G>A. VCF-style: chrX-14690853-G-A. GRCh37 (hg19) VCF-style: chrX-14708975-G-A.
Other names: c.1074G>A, p.Gln358= (NM_001118885.2, NM_001118886.2); c.807G>A, p.Gln269= (NM_001171942.2).
Identifiers: ClinVar variation 3047336 (VCV003047336.2), dbSNP rs1601838228, ClinGen allele CA515548313.

ClinVar aggregate classification (germline): Likely benign (0 of 4 stars; one submission).

Conditions:
GLRA2-related disorder. Also called: GLRA2-related condition.

Submission:

PreventionGenetics, part of Exact Sciences
Classification: Likely benign for GLRA2-related condition. Last evaluated: 2023-01-10. Review status: no assertion criteria provided. Collection method: clinical testing. Allele origin: germline.
Comment: This variant is classified as likely benign based on ACMG/AMP sequence variant interpretation guidelines (Richards et al. 2015 PMID: 25741868, with internal and published modifications).